The following is an entry in ClinVar:

GRCh38/hg38 12p13.33(chr12:1453550-2575642)x3

Genes: ADIPOR2 (adiponectin receptor 2; plus strand), CACNA1C (calcium voltage-gated channel subunit alpha1 C; plus strand), CACNA1C-AS4 (CACNA1C antisense RNA 4; minus strand), CACNA1C-IT1 (CACNA1C intronic transcript 1; plus strand), CACNA1C-IT2 (CACNA1C intronic transcript 2; plus strand) and 46 more. Cytogenetic location: 12p13.33.
Variant type: copy number gain.
Change: copy number 3 (three copies instead of two) of chr12:1,453,550-2,575,642 (1.12 Mb, GRCh38 coordinates, 1-based), cytogenetic band 12p13.33.
Identifiers: ClinVar variation 58206 (VCV000058206.2).

ClinVar aggregate classification (germline): Uncertain significance (1 of 4 stars; one submission).

Submission:

ISCA Site 6
Classification: Uncertain significance. Last evaluated: 2011-08-12. Review status: criteria provided, single submitter. Criteria: Kaminsky et al. (Genet Med. 2011). Collection method: clinical testing. Allele origin: maternal. Affected: yes. Observed: 1 variant allele.
Comment: Copy number variation identified through the course of routine clinical cytogenomic testing in postnatal populations. Clinical assertions have been curated as described in Kaminsky et al. 2011.